The following is an entry in ClinVar:

ClinVar aggregate classification (germline): Conflicting classifications of pathogenicity. Review status: criteria provided, conflicting classifications (1 of 4 stars). 3 submissions from 3 submitters: Uncertain significance (2); Likely benign (1). Last evaluated 2026-09-12.

Conditions:
Ehlers-Danlos syndrome, classic type, 1 (EDSCL1). Also called: EHLERS-DANLOS SYNDROME, GRAVIS TYPE; EHLERS-DANLOS SYNDROME, SEVERE CLASSIC TYPE; Ehlers-Danlos syndrome, type 1; EDS I; Ehlers-Danlos Syndrome, Classic Type, COL5A1-Related. Identifiers: MedGen C0268335, MONDO:0019567, OMIM 130000.
Familial thoracic aortic aneurysm and aortic dissection (TAAD). Also called: Thoracic aortic aneurysms and dissections. Identifiers: Orphanet 91387, MedGen C4707243, MONDO:0019625.

Allele frequency attached by ClinVar (database versions not stated): gnomAD exomes below 0.00001; ExAC 0.00003; TOPMed 0.00003; gnomAD 0.00002.
gnomAD v4.1: 6 of 1,613,742 alleles (0.00037%); highest among the groups gnomAD compares: African/African-American, 0.0067%; no homozygotes.

Submissions (3):

Ambry Genetics
Classification: Likely benign for Familial thoracic aortic aneurysm and aortic dissection. Last evaluated: 2026-09-12. Review status: criteria provided, single submitter. Criteria: Ambry Variant Classification Scheme 2023. Collection method: clinical testing. Allele origin: germline.

GeneDx
Classification: Uncertain significance. Last evaluated: 2026-04-22. Review status: criteria provided, single submitter. Criteria: GeneDx Variant Classification Process June 2021. Collection method: clinical testing. Allele origin: germline.
Comment: Not observed at significant frequency in large population cohorts (gnomAD); In silico analysis suggests that this missense variant does not alter protein structure/function; Has not been previously published as pathogenic or benign to our knowledge; Not located in the triple helical region, where the majority of pathogenic missense variants occur (PMID: 22696272; HGMD); This variant is associated with the following publications: (PMID: 22696272)

Labcorp Genetics (formerly Invitae), Labcorp
Classification: Uncertain significance for Ehlers-Danlos syndrome, classic type, 1. Last evaluated: 2024-05-26. Review status: criteria provided, single submitter. Criteria: Invitae Variant Classification Sherloc (09022015). Collection method: clinical testing. Allele origin: germline.
Comment: This sequence change replaces asparagine, which is neutral and polar, with aspartic acid, which is acidic and polar, at codon 388 of the COL5A1 protein (p.Asn388Asp). This variant is present in population databases (rs776931824, gnomAD 0.02%). This variant has not been reported in the literature in individuals affected with COL5A1-related conditions. Algorithms developed to predict the effect of missense changes on protein structure and function output the following: SIFT: "Not Available"; PolyPhen-2: "Benign"; Align-GVGD: "Not Available". The aspartic acid amino acid residue is found in multiple mammalian species, which suggests that this missense change does not adversely affect protein function. In summary, the available evidence is currently insufficient to determine the role of this variant in disease. Therefore, it has been classified as a Variant of Uncertain Significance.

NM_000093.5(COL5A1):c.1162A>G (p.Asn388Asp)

Gene: COL5A1 (collagen type V alpha 1 chain; plus strand). Cytogenetic location: 9q34.3.
Variant type: single nucleotide variant.
Coding change: c.1162A>G on transcript NM_000093.5 (MANE Select); coding-DNA position 1162, A replaced by G.
Protein change: p.Asn388Asp; replaces asparagine 388 with aspartic acid.
Molecular consequence: missense variant.
Genome position (GRCh38, 1-based): chr9:134,730,473, A>G. VCF-style: chr9-134730473-A-G. GRCh37 (hg19) VCF-style: chr9-137622319-A-G.
Other names: c.1162A>G, p.Asn388Asp (NM_001278074.1); c.1162A>G (NM_000093.3); short protein forms N388D.
Identifiers: ClinVar variation 2876098 (VCV002876098.4), dbSNP rs776931824, ClinGen allele CA5318651.
Genomic context (GRCh38, chr9:134,730,473, plus strand): 5'-ACAGACCCAGGCGCTGGGGCCGAAATTCCCACCAGCACCGCCGACACCTCCAACTCCTCC[A>G]ATGTAATTTCTTTCCTTCCCATTGGTTTGGTCTGGGGCAGTGGGCCAAGGGCCAGGGCTG-3'
Protein context (NP_000084.3, residues 378-398): TSTADTSNSS[Asn388Asp]PAPPPGEGAD